The following is an entry in ClinVar:

ClinVar aggregate classification (germline): Conflicting classifications of pathogenicity. Review status: criteria provided, conflicting classifications (1 of 4 stars). 14 submissions from 14 submitters: Pathogenic (1); Likely pathogenic (1); Uncertain significance (11). 1 of the submissions does not count toward it. Last evaluated 2026-08-13.

Conditions:
Glycine encephalopathy. Also called: Non-ketotic hyperglycinemia; Nonketotic hyperglycinemia. Identifiers: Orphanet 407, MedGen C0751748, MONDO:0011612, HP:0008288.
Inborn genetic diseases. Identifiers: MedGen C0950123, MeSH D030342.
Glycine encephalopathy 2 (GCE2). Identifiers: MedGen C5830559, MONDO:0958192, OMIM 620398.
AMT-related disorder. Also called: AMT-related condition.

Allele frequency attached by ClinVar (database versions not stated): gnomAD exomes 0.00037 and 0.00030; ExAC 0.00029; TOPMed 0.00031; gnomAD 0.00024 and 0.00026.

Submissions (14):

PreventionGenetics, part of Exact Sciences
Classification: Uncertain significance for AMT-related condition. Last evaluated: 2026-08-13. Review status: criteria provided, single submitter. Criteria: ACMG Guidelines, 2015. Collection method: clinical testing. Allele origin: germline.
Comment: The AMT c.635T>C variant is predicted to result in the amino acid substitution p.Val212Ala. This variant has been reported in an individual with glycine encephalopathy (Swanson et al. 2015. PubMed ID: 26179960) and noted in a cohort of individuals with psychiatric disorders (Table S3, Sriretnakumar. 2024. PubMed ID: 38532509). This variant is reported in 0.13% of alleles in individuals of Ashkenazi Jewish descent in gnomAD and has conflicting classifications in ClinVar ranging from uncertain to pathogenic (Variation ID: 531771). Although we suspect this variant may be pathogenic, at this time, the clinical significance of this variant is uncertain due to the absence of conclusive functional and genetic evidence.

Labcorp Genetics (formerly Invitae), Labcorp
Classification: Pathogenic for Glycine encephalopathy. Last evaluated: 2026-01-24. Review status: criteria provided, single submitter. Criteria: Invitae Variant Classification Sherloc (09022015). Collection method: clinical testing. Allele origin: germline.
Comment: This sequence change replaces valine, which is neutral and non-polar, with alanine, which is neutral and non-polar, at codon 212 of the AMT protein (p.Val212Ala). This variant is present in population databases (rs201141125, gnomAD 0.1%). This missense change has been observed in individual(s) with glycine encephalopathy (PMID: 12948742, 26179960, 27362913). In at least one individual the data is consistent with being in trans (on the opposite chromosome) from a pathogenic variant. ClinVar contains an entry for this variant (Variation ID: 531771). Invitae Evidence Modeling of protein sequence and biophysical properties (such as structural, functional, and spatial information, amino acid conservation, physicochemical variation, residue mobility, and thermodynamic stability) has been performed for this missense variant. However, the output from this modeling did not meet the statistical confidence thresholds required to predict the impact of this variant on AMT protein function. For these reasons, this variant has been classified as Pathogenic.

Ambry Genetics
Classification: Uncertain significance for Inborn genetic diseases. Last evaluated: 2025-10-17. Review status: criteria provided, single submitter. Criteria: Ambry Variant Classification Scheme 2023. Collection method: clinical testing. Allele origin: germline.
Comment: The c.635T>C (p.V212A) alteration is located in exon 6 (coding exon 6) of the AMT gene. This alteration results from a T to C substitution at nucleotide position 635, causing the valine (V) at amino acid position 212 to be replaced by an alanine (A). Based on data from gnomAD, the C allele has an overall frequency of 0.028% (80/282222) total alleles studied. The highest observed frequency was 0.126% (13/10344) of Ashkenazi Jewish alleles. Based on insufficient or conflicting evidence, the clinical significance of this alteration remains unclear.

Women's Health and Genetics/Laboratory Corporation of America, LabCorp
Classification: Likely pathogenic for Glycine encephalopathy. Last evaluated: 2025-08-14. Review status: criteria provided, single submitter. Criteria: LabCorp Variant Classification Summary - May 2015. Collection method: clinical testing. Allele origin: germline.
Comment: Variant summary: AMT c.635T>C (p.Val212Ala) results in a non-conservative amino acid change located in the Aminomethyltransferase, folate-binding domain (IPR006222) of the encoded protein sequence. Algorithms developed to predict the effect of missense changes on protein structure and function all suggest that this variant is likely to be disruptive. The variant allele was found at a frequency of 0.0003 in 250906 control chromosomes. This frequency is not significantly higher than estimated for a pathogenic variant in AMT causing Glycine Encephalopathy (Non-Ketotic Hyperglycinemia) (0.0003 vs 0.0014), allowing no conclusion about variant significance. c.635T>C has been reported in the literature in at least two compoound heterozygous individual affected with Glycine Encephalopathy (Non-Ketotic Hyperglycinemia) (Toone_2003, Coughlin_2017, internal data). These data indicate that the variant may be associated with disease. To our knowledge, no experimental evidence demonstrating an impact on protein function has been reported. The following publications have been ascertained in the context of this evaluation (PMID: 27362913, 9580775, 12948742). ClinVar contains an entry for this variant (Variation ID: 531771). Based on the evidence outlined above, the variant was classified as likely pathogenic.

Revvity Omics, Revvity
Classification: Uncertain significance for Glycine encephalopathy 2. Last evaluated: 2025-04-09. Review status: criteria provided, single submitter. Criteria: ACMG Guidelines, 2015. Collection method: clinical testing. Allele origin: germline.

ARUP Laboratories, Molecular Genetics and Genomics, ARUP Laboratories
Classification: Uncertain significance for Glycine encephalopathy 2. Last evaluated: 2025-01-28. Review status: criteria provided, single submitter. Criteria: ARUP Molecular Germline Variant Investigation Process 2024. Collection method: clinical testing. Allele origin: germline.

Blueprint Genetics
Classification: Uncertain significance. Last evaluated: 2024-10-10. Review status: criteria provided, single submitter. Criteria: ACMG Guidelines, 2015. Collection method: clinical testing. Allele origin: germline.

Department of Pathology and Laboratory Medicine, Sinai Health System
Classification: Uncertain significance for Glycine encephalopathy 2. Last evaluated: 2023-09-25. Review status: criteria provided, single submitter. Criteria: ACMG Guidelines, 2015. Collection method: research. Allele origin: germline.

Fulgent Genetics
Classification: Uncertain significance for Glycine encephalopathy 1. Last evaluated: 2022-05-23. Review status: criteria provided, single submitter. Criteria: ACMG Guidelines, 2015. Collection method: clinical testing. Allele origin: unknown.

CeGaT Center for Human Genetics Tuebingen
Classification: Uncertain significance. Last evaluated: 2022-02-01. Review status: criteria provided, single submitter. Criteria: CeGaT Center For Human Genetics Tuebingen Variant Classification Criteria Version 2. Collection method: clinical testing. Allele origin: germline. Affected: yes. Observed: 2 variant alleles.

Baylor Genetics
Classification: Uncertain significance for Glycine encephalopathy 1. Last evaluated: 2020-01-20. Review status: criteria provided, single submitter. Criteria: ACMG Guidelines, 2015. Collection method: clinical testing. Allele origin: unknown. Affected: yes.
Comment: This variant was determined to be of uncertain significance according to ACMG Guidelines, 2015 [PMID:25741868].

Illumina Laboratory Services, Illumina
Classification: Uncertain significance for Glycine encephalopathy 1. Last evaluated: 2017-08-24. Review status: criteria provided, single submitter. Criteria: ICSL Variant Classification Criteria 13 December 2019. Collection method: clinical testing. Allele origin: germline.
Comment: This variant was observed as part of a predisposition screen in an ostensibly healthy population. A literature search was performed for the gene, cDNA change, and amino acid change (where applicable). Publications were found based on this search. However, the evidence from the literature, in combination with allele frequency data from public databases where available, was not sufficient to rule this variant in or out of causing disease. Therefore, this variant is classified as a variant of unknown significance.

Breakthrough Genomics
Classification: Uncertain significance. Review status: criteria provided, single submitter. Criteria: ACMG Guidelines, 2015. Collection method: not provided. Allele origin: germline. Inheritance: Autosomal recessive inheritance. Affected: yes.

Natera, Inc.
Classification: Uncertain significance for Non-ketotic hyperglycinemia. Last evaluated: 2020-01-02. Review status: no assertion criteria provided. Collection method: clinical testing. Allele origin: germline. Not counted in ClinVar's aggregate classification.

Literature cited by the submitters: PubMed 12948742 (cited by 4 submitters); PubMed 26179960 (cited by Labcorp Genetics (formerly Invitae), Labcorp and Ambry Genetics); PubMed 27362913 (cited by 3 submitters); PubMed 9580775 (cited by Women's Health and Genetics/Laboratory Corporation of America, LabCorp); PubMed 27884173 (cited by Illumina Laboratory Services, Illumina).

NM_000481.4(AMT):c.635T>C (p.Val212Ala)

Gene: AMT (aminomethyltransferase; minus strand). Cytogenetic location: 3p21.31.
Variant type: single nucleotide variant.
Coding change: c.635T>C on transcript NM_000481.4 (MANE Select); coding-DNA position 635, T replaced by C.
Protein change: p.Val212Ala; replaces valine 212 with alanine.
Molecular consequence: missense variant. On other transcripts: non-coding transcript variant (1).
Genome position (GRCh38, 1-based): chr3:49,419,321, A>G on the plus strand (T>C on the coding strand, the complement: AMT is on the minus strand). VCF-style: chr3-49419321-A-G. GRCh37 (hg19) VCF-style: chr3-49456754-A-G.
Other names: c.503T>C, p.Val168Ala (NM_001164710.2); c.467T>C, p.Val156Ala (NM_001164711.2); c.635T>C, p.Val212Ala (NM_001164712.2); short protein forms V212A, V168A, V156A.
Identifiers: ClinVar variation 531771 (VCV000531771.62), dbSNP rs201141125, ClinGen allele CA2398293.